The following is an entry in ClinVar:

NM_022436.3(ABCG5):c.1358G>C (p.Ser453Thr)

Genes: ABCG5 (ATP binding cassette subfamily G member 5; minus strand), DYNC2LI1 (dynein cytoplasmic 2 light intermediate chain 1; plus strand). Cytogenetic location: 2p21.
Variant type: single nucleotide variant.
Coding change: c.1358G>C on transcript NM_022436.3 (MANE Select); coding-DNA position 1358, G replaced by C.
Protein change: p.Ser453Thr; replaces serine 453 with threonine.
Molecular consequence: missense variant. On other transcripts: intron variant (2).
Genome position (GRCh38, 1-based): chr2:43,822,902, C>G on the plus strand (G>C on the coding strand, the complement: ABCG5 is on the minus strand). VCF-style: chr2-43822902-C-G. GRCh37 (hg19) VCF-style: chr2-44050041-C-G.
Other names: p.Ser453Thr; c.*16-4484C>G (NM_001348913.2, NM_001348912.2); short protein forms S453T.
Identifiers: ClinVar variation 597928 (VCV000597928.11), dbSNP rs778497502, ClinGen allele CA1636297.
Genomic context (GRCh38, chr2:43,822,902, plus strand): 5'-GGGAGGACGTGCAGTGCATAGGCCAGCATCATCTGCCACTTCTGGTAGAGGCCGTCCTGA[C>G]TCTCCTGGTCGCTGACAGCTCGCAGCACGGGAACTGGGGATGGAAGGCAGGTTTCAGAAC-3'
Protein context (NP_071881.1, residues 443-463): PVLRAVSDQE[Ser453Thr]QDGLYQKWQM

ClinVar aggregate classification (germline): Uncertain significance. Review status: criteria provided, multiple submitters, no conflicts (2 of 4 stars). 4 submissions from 4 submitters: Uncertain significance (3). 1 of the submissions does not count toward it. Last evaluated 2024-04-16.

Conditions:
ABCG5-related disorder. Also called: ABCG5-related condition.
Sitosterolemia (STSL). Also called: PHYTOSTEROLEMIA. Identifiers: Orphanet 2882, MedGen C0342907, MONDO:0008863.

Allele frequency attached by ClinVar (database versions not stated): gnomAD 0.00001; TOPMed 0.00001; gnomAD exomes 0.00002 and 0.00005; ExAC 0.00003.
gnomAD v4.1: 30 of 1,613,998 alleles (0.0019%); highest among the groups gnomAD compares: Admixed American, 0.02%; no homozygotes.

Submissions (4):

Mayo Clinic Laboratories, Mayo Clinic
Classification: Uncertain significance. Last evaluated: 2024-04-16. Review status: criteria provided, single submitter. Criteria: ACMG Guidelines, 2015. Collection method: clinical testing. Allele origin: germline. Observed: 1 variant allele.

Labcorp Genetics (formerly Invitae), Labcorp
Classification: Uncertain significance for Sitosterolemia. Last evaluated: 2022-07-30. Review status: criteria provided, single submitter. Criteria: Invitae Variant Classification Sherloc (09022015). Collection method: clinical testing. Allele origin: germline.
Comment: This sequence change replaces serine, which is neutral and polar, with threonine, which is neutral and polar, at codon 453 of the ABCG5 protein (p.Ser453Thr). This variant is present in population databases (rs778497502, gnomAD 0.03%). This missense change has been observed in individual(s) with clinical features of sitosterolemia (PMID: 32088153). ClinVar contains an entry for this variant (Variation ID: 597928). Algorithms developed to predict the effect of missense changes on protein structure and function are either unavailable or do not agree on the potential impact of this missense change (SIFT: "Deleterious"; PolyPhen-2: "Probably Damaging"; Align-GVGD: "Class C0"). In summary, the available evidence is currently insufficient to determine the role of this variant in disease. Therefore, it has been classified as a Variant of Uncertain Significance.

Eurofins Ntd Llc (ga)
Classification: Uncertain significance. Last evaluated: 2018-07-09. Review status: criteria provided, single submitter. Criteria: EGL ClinVar v180209 classification definitions. Collection method: clinical testing. Allele origin: germline. Observed: 1 variant allele, 1 heterozygote.

PreventionGenetics, part of Exact Sciences
Classification: Uncertain significance for ABCG5-related condition. Last evaluated: 2024-03-09. Review status: no assertion criteria provided. Collection method: clinical testing. Allele origin: germline. Not counted in ClinVar's aggregate classification.
Comment: The ABCG5 c.1358G>C variant is predicted to result in the amino acid substitution p.Ser453Thr. This variant has been reported with uncertain significance in at least one individual with familial hypercholesterolemia (Supplementary Table 4, Reeskamp LF et al. 2020. PubMed ID: 32088153). This variant is reported in 0.032% of alleles in individuals of Latino descent in gnomAD. At this time, the clinical significance of this variant is uncertain due to the absence of conclusive functional and genetic evidence.

Literature cited by the submitters: PubMed 32088153 (cited by Mayo Clinic Laboratories, Mayo Clinic and Labcorp Genetics (formerly Invitae), Labcorp).